The following is an entry in ClinVar:

NM_001015880.2(PAPSS2):c.193T>C (p.Tyr65His)

Gene: PAPSS2 (3'-phosphoadenosine 5'-phosphosulfate synthase 2; plus strand). Cytogenetic location: 10q23.31.
Variant type: single nucleotide variant.
Coding change: c.193T>C on transcript NM_001015880.2 (MANE Select); coding-DNA position 193, T replaced by C.
Protein change: p.Tyr65His; replaces tyrosine 65 with histidine.
Molecular consequence: missense variant.
Genome position (GRCh38, 1-based): chr10:87,713,122, T>C. VCF-style: chr10-87713122-T-C. GRCh37 (hg19) VCF-style: chr10-89472879-T-C.
Other names: c.193T>C, p.Tyr65His (NM_004670.4); c.193T>C (NM_004670.3); short protein forms Y65H.
Identifiers: ClinVar variation 1437893 (VCV001437893.7), dbSNP rs543593301, ClinGen allele CA5589377.

ClinVar aggregate classification (germline): Uncertain significance. Review status: criteria provided, multiple submitters, no conflicts (2 of 4 stars). 2 submissions from 2 submitters: Uncertain significance (2). Last evaluated 2021-09-09.

Conditions:
Inborn genetic diseases. Identifiers: MedGen C0950123, MeSH D030342.
Spondyloepimetaphyseal dysplasia, PAPSS2 type. Also called: BRACHYOLMIA TYPE 4 WITH MILD EPIPHYSEAL AND METAPHYSEAL CHANGES; SPONDYLODYSPLASIA AND PREMATURE PUBARCHE; SEMD, PAKISTANI TYPE. Identifiers: Orphanet 93282, MedGen C2748516, MONDO:0019666, OMIM 612847.

Allele frequency attached by ClinVar (database versions not stated): gnomAD exomes 0.00001; TOPMed 0.00001; 1000 Genomes Project 30x 0.00016; 1000 Genomes Project 0.00020.
gnomAD v4.1: 8 of 1,613,112 alleles (0.0005%); highest among the groups gnomAD compares: East Asian, 0.016%; no homozygotes.

Submissions (2):

Ambry Genetics
Classification: Uncertain significance for Inborn genetic diseases. Last evaluated: 2021-09-09. Review status: criteria provided, single submitter. Criteria: Ambry Variant Classification Scheme 2023. Collection method: clinical testing. Allele origin: germline.

Labcorp Genetics (formerly Invitae), Labcorp
Classification: Uncertain significance for Spondyloepimetaphyseal dysplasia, PAPSS2 type. Last evaluated: 2021-08-09. Review status: criteria provided, single submitter. Criteria: Invitae Variant Classification Sherloc (09022015). Collection method: clinical testing. Allele origin: germline.
Comment: In summary, the available evidence is currently insufficient to determine the role of this variant in disease. Therefore, it has been classified as a Variant of Uncertain Significance. Algorithms developed to predict the effect of missense changes on protein structure and function are either unavailable or do not agree on the potential impact of this missense change (SIFT: "Deleterious"; PolyPhen-2: "Benign"; Align-GVGD: "Class C0"). This sequence change replaces tyrosine with histidine at codon 65 of the PAPSS2 protein (p.Tyr65His). The tyrosine residue is moderately conserved and there is a moderate physicochemical difference between tyrosine and histidine. This variant is present in population databases (rs543593301, ExAC 0.06%). This variant has not been reported in the literature in individuals affected with PAPSS2-related conditions.